The following is an entry in ClinVar:

ClinVar aggregate classification (germline): Uncertain significance (1 of 4 stars; one submission).

Submission:

Labcorp Genetics (formerly Invitae), Labcorp
Classification: Uncertain significance. Last evaluated: 2022-03-31. Review status: criteria provided, single submitter. Criteria: Invitae Variant Classification Sherloc (09022015). Collection method: clinical testing. Allele origin: germline.
Comment: In summary, the available evidence is currently insufficient to determine the role of this variant in disease. Therefore, it has been classified as a Variant of Uncertain Significance. Algorithms developed to predict the effect of missense changes on protein structure and function are either unavailable or do not agree on the potential impact of this missense change (SIFT: "Tolerated"; PolyPhen-2: "Probably Damaging"; Align-GVGD: "Class C0"). This variant has not been reported in the literature in individuals affected with ABCC6-related conditions. This variant is not present in population databases (gnomAD no frequency). This sequence change replaces alanine, which is neutral and non-polar, with threonine, which is neutral and polar, at codon 1497 of the ABCC6 protein (p.Ala1497Thr).

NM_001171.6(ABCC6):c.4489G>A (p.Ala1497Thr)

Gene: ABCC6 (ATP binding cassette subfamily C member 6; minus strand). Cytogenetic location: 16p13.11.
Variant type: single nucleotide variant.
Coding change: c.4489G>A on transcript NM_001171.6 (MANE Select); coding-DNA position 4489, G replaced by A.
Protein change: p.Ala1497Thr; replaces alanine 1497 with threonine.
Molecular consequence: missense variant. On other transcripts: non-coding transcript variant (1).
Genome position (GRCh38, 1-based): chr16:16,150,156, C>T on the plus strand (G>A on the coding strand, the complement: ABCC6 is on the minus strand). VCF-style: chr16-16150156-C-T. GRCh37 (hg19) VCF-style: chr16-16244013-C-T.
Other names: c.4147G>A, p.Ala1383Thr (NM_001351800.1); short protein forms A1383T, A1497T.
Identifiers: ClinVar variation 2119803 (VCV002119803.4), dbSNP rs2046345791, ClinGen allele CA394883477.